The following is an entry in ClinVar:

NM_006265.3(RAD21):c.464del (p.Leu155fs)

Gene: RAD21 (RAD21 cohesin complex component; minus strand). Cytogenetic location: 8q24.11.
Variant type: Deletion.
Coding change: c.464del on transcript NM_006265.3 (MANE Select); coding-DNA position 464, one base deleted (T; older notation c.464delT).
Protein change: p.Leu155fs; shifts the reading frame from leucine 155.
Molecular consequence: frameshift variant.
Genome position (GRCh38, 1-based): chr8:116,858,369, A deleted on the plus strand (T on the coding strand, the reverse complement: RAD21 is on the minus strand); the first of 4 consecutive A bases (chr8:116,858,369-116,858,372); deleting any one gives the same sequence. VCF-style (leftmost placement, unchanged base first): chr8-116858368-TA-T. GRCh37 (hg19) VCF-style: chr8-117870607-TA-T.
Other names: short protein forms L155fs.
Identifiers: ClinVar variation 3066324 (VCV003066324.1), dbSNP rs2537299235, ClinGen allele CA2740098022.

ClinVar aggregate classification (germline): Pathogenic (1 of 4 stars; one submission).

Conditions:
Cornelia de Lange syndrome 4 (CDLS4). Also called: RAD21-Related Cornelia de Lange Syndrome; CORNELIA DE LANGE SYNDROME 4 WITH OR WITHOUT MIDLINE BRAIN DEFECTS. Identifiers: Orphanet 199, MedGen C3553517, MONDO:0013864, OMIM 614701.

Submission:

MVZ Medizinische Genetik Mainz
Classification: Pathogenic for Cornelia de Lange syndrome 4. Last evaluated: 2022-07-06. Review status: criteria provided, single submitter. Criteria: UK Practice Guidelines For Variant Classification V4 01 2020. Collection method: clinical testing. Allele origin: germline. Inheritance: Autosomal dominant inheritance. Affected: yes. Observed: 1 variant allele.
Comment: ACMG Criteria: PVS1, PM2_SUP, PM6 (ACMG Version 3)